The following is an entry in ClinVar:

NM_000718.4(CACNA1B):c.6313C>T (p.Arg2105Trp)

Gene: CACNA1B (calcium voltage-gated channel subunit alpha1 B; plus strand). Cytogenetic location: 9q34.3.
Variant type: single nucleotide variant.
Coding change: c.6313C>T on transcript NM_000718.4 (MANE Select); coding-DNA position 6313, C replaced by T.
Protein change: p.Arg2105Trp; replaces arginine 2105 with tryptophan.
Molecular consequence: missense variant.
Genome position (GRCh38, 1-based): chr9:138,120,705, C>T. VCF-style: chr9-138120705-C-T. GRCh37 (hg19) VCF-style: chr9-141015157-C-T.
Other names: c.6313C>T, p.Arg2105Trp (NM_001243812.2); c.6313C>T (NM_000718.3); short protein forms R2105W.
Identifiers: ClinVar variation 1468942 (VCV001468942.6), dbSNP rs199622179, ClinGen allele CA5377688.

ClinVar aggregate classification (germline): Uncertain significance. Review status: criteria provided, multiple submitters, no conflicts (2 of 4 stars). 4 submissions from 4 submitters: Uncertain significance (4). Last evaluated 2026-07-01.

Allele frequency attached by ClinVar (database versions not stated): gnomAD exomes 0.00002; gnomAD 0.00003 and 0.00004; TOPMed 0.00005.
gnomAD v4.1: 20 of 1,520,688 alleles (0.0013%); highest among the groups gnomAD compares: Admixed American, 0.0099%; no homozygotes.

Submissions (4):

CeGaT Center for Human Genetics Tuebingen
Classification: Uncertain significance. Last evaluated: 2026-07-01. Review status: criteria provided, single submitter. Criteria: CeGaT Center For Human Genetics Tuebingen Variant Classification Criteria Version 2. Collection method: clinical testing. Allele origin: germline. Affected: yes. Observed: 1 variant allele.
Comment: CACNA1B: PM2, PP3

Ambry Genetics
Classification: Uncertain significance. Last evaluated: 2024-10-20. Review status: criteria provided, single submitter. Criteria: Ambry Variant Classification Scheme 2023. Collection method: clinical testing. Allele origin: germline.

Blueprint Genetics
Classification: Uncertain significance. Last evaluated: 2023-07-26. Review status: criteria provided, single submitter. Criteria: ACMG Guidelines, 2015. Collection method: clinical testing. Allele origin: germline.

Labcorp Genetics (formerly Invitae), Labcorp
Classification: Uncertain significance. Last evaluated: 2022-08-09. Review status: criteria provided, single submitter. Criteria: Invitae Variant Classification Sherloc (09022015). Collection method: clinical testing. Allele origin: germline.
Comment: This sequence change replaces arginine, which is basic and polar, with tryptophan, which is neutral and slightly polar, at codon 2105 of the CACNA1B protein (p.Arg2105Trp). This variant is present in population databases (rs199622179, gnomAD 0.02%). This variant has not been reported in the literature in individuals affected with CACNA1B-related conditions. ClinVar contains an entry for this variant (Variation ID: 1468942). Advanced modeling of protein sequence and biophysical properties (such as structural, functional, and spatial information, amino acid conservation, physicochemical variation, residue mobility, and thermodynamic stability) performed at Invitae indicates that this missense variant is not expected to disrupt CACNA1B protein function. In summary, the available evidence is currently insufficient to determine the role of this variant in disease. Therefore, it has been classified as a Variant of Uncertain Significance.